The following is an entry in ClinVar:

NM_025009.5(CEP135):c.1710A>T (p.Glu570Asp)

Gene: CEP135 (centrosomal protein 135; plus strand). Cytogenetic location: 4q12.
Variant type: single nucleotide variant.
Coding change: c.1710A>T on transcript NM_025009.5 (MANE Select); coding-DNA position 1710, A replaced by T.
Protein change: p.Glu570Asp; replaces glutamic acid 570 with aspartic acid.
Molecular consequence: missense variant.
Genome position (GRCh38, 1-based): chr4:55,981,310, A>T. VCF-style: chr4-55981310-A-T. GRCh37 (hg19) VCF-style: chr4-56847476-A-T.
Other names: short protein forms E570D.
Identifiers: ClinVar variation 2120551 (VCV002120551.4), dbSNP rs560039084, ClinGen allele CA2927932.

ClinVar aggregate classification (germline): Uncertain significance (1 of 4 stars; one submission).

Allele frequency attached by ClinVar (database versions not stated): ExAC 0.00001; gnomAD 0.00001; 1000 Genomes Project 0.00020; 1000 Genomes Project 30x 0.00031.
gnomAD v4.1: 2 of 1,598,648 alleles (0.00013%); highest among the groups gnomAD compares: African/African-American, 0.0014%; no homozygotes.

Submission:

Labcorp Genetics (formerly Invitae), Labcorp
Classification: Uncertain significance. Last evaluated: 2022-04-01. Review status: criteria provided, single submitter. Criteria: Invitae Variant Classification Sherloc (09022015). Collection method: clinical testing. Allele origin: germline.
Comment: This variant has not been reported in the literature in individuals affected with CEP135-related conditions. Algorithms developed to predict the effect of missense changes on protein structure and function are either unavailable or do not agree on the potential impact of this missense change (SIFT: "Tolerated"; PolyPhen-2: "Possibly Damaging"; Align-GVGD: "Class C0"). In summary, the available evidence is currently insufficient to determine the role of this variant in disease. Therefore, it has been classified as a Variant of Uncertain Significance. This sequence change replaces glutamic acid, which is acidic and polar, with aspartic acid, which is acidic and polar, at codon 570 of the CEP135 protein (p.Glu570Asp). This variant is present in population databases (rs560039084, gnomAD 0.007%).